The following is an entry in ClinVar:

ClinVar aggregate classification (germline): Conflicting classifications of pathogenicity. Review status: criteria provided, conflicting classifications (1 of 4 stars). 4 submissions from 4 submitters: Uncertain significance (3); Likely benign (1). Last evaluated 2025-06-15.

Conditions:
Hirschsprung disease, susceptibility to, 1 (HSCR1). Also called: RET-Related Hirschsprung Disease. Identifiers: Orphanet 388, MedGen C3888239, MONDO:0007723, OMIM 142623.
Hereditary cancer-predisposing syndrome. Also called: Hereditary Cancer Syndrome; Hereditary neoplastic syndrome; Neoplastic Syndromes, Hereditary; Tumor predisposition. Identifiers: Orphanet 140162, MedGen C0027672, MeSH D009386, MONDO:0015356.
Multiple endocrine neoplasia, type 2 (MEN2). Identifiers: Orphanet 653, MedGen C4048306, MONDO:0019003. Disease mechanism: gain of function.

Allele frequency attached by ClinVar (database versions not stated): gnomAD exomes below 0.00001; ExAC 0.00001.
gnomAD v4.1: 1 of 1,608,856 alleles (0.000062%); highest among the groups gnomAD compares: Admixed American, 0.0017%; no homozygotes.

Submissions (4):

Labcorp Genetics (formerly Invitae), Labcorp
Classification: Uncertain significance for Multiple endocrine neoplasia, type 2. Last evaluated: 2025-06-15. Review status: criteria provided, single submitter. Criteria: Invitae Variant Classification Sherloc (09022015). Collection method: clinical testing. Allele origin: germline.
Comment: This sequence change replaces leucine, which is neutral and non-polar, with proline, which is neutral and non-polar, at codon 712 of the RET protein (p.Leu712Pro). This variant is present in population databases (rs760272063, gnomAD 0.003%). This variant has not been reported in the literature in individuals affected with RET-related conditions. ClinVar contains an entry for this variant (Variation ID: 405531). An algorithm developed to predict the effect of missense changes on protein structure and function outputs the following: PolyPhen-2: "Benign". The proline amino acid residue is found in multiple mammalian species, which suggests that this missense change does not adversely affect protein function. In summary, the available evidence is currently insufficient to determine the role of this variant in disease. Therefore, it has been classified as a Variant of Uncertain Significance.

Ambry Genetics
Classification: Likely benign for Hereditary cancer-predisposing syndrome. Last evaluated: 2024-09-18. Review status: criteria provided, single submitter. Criteria: Ambry Variant Classification Scheme 2023. Collection method: clinical testing. Allele origin: germline.

Quest Diagnostics Nichols Institute San Juan Capistrano
Classification: Uncertain significance. Last evaluated: 2024-03-22. Review status: criteria provided, single submitter. Criteria: Quest Diagnostics criteria. Collection method: clinical testing. Allele origin: unknown.

Baylor Genetics
Classification: Uncertain significance for Hirschsprung disease, susceptibility to, 1. Last evaluated: 2023-07-05. Review status: criteria provided, single submitter. Criteria: ACMG Guidelines, 2015. Collection method: clinical testing. Allele origin: unknown.

NM_020975.6(RET):c.2135T>C (p.Leu712Pro)

Gene: RET (ret proto-oncogene; plus strand). Cytogenetic location: 10q11.21.
Variant type: single nucleotide variant.
Coding change: c.2135T>C on transcript NM_020975.6 (MANE Select); coding-DNA position 2135, T replaced by C.
Protein change: p.Leu712Pro; replaces leucine 712 with proline.
Molecular consequence: missense variant.
Genome position (GRCh38, 1-based): chr10:43,114,735, T>C. VCF-style: chr10-43114735-T-C. GRCh37 (hg19) VCF-style: chr10-43610183-T-C.
Other names: c.2135T>C, p.Leu712Pro (NM_000323.2, NM_001406743.1, NM_001406744.1 and 4 more transcripts); c.1373T>C, p.Leu458Pro (NM_001355216.2); c.2006T>C, p.Leu669Pro (NM_001406761.1, NM_001406762.1, NM_001406764.1); c.2000T>C, p.Leu667Pro (NM_001406763.1, NM_001406765.1); c.1847T>C, p.Leu616Pro (NM_001406766.1, NM_001406767.1, NM_001406770.1); c.1871T>C, p.Leu624Pro (NM_001406768.1); c.1739T>C, p.Leu580Pro (NM_001406769.1, NM_001406772.1); c.1697T>C, p.Leu566Pro (NM_001406771.1, NM_001406773.1); and 10 more; short protein forms L712P, L458P, L229P, L317P, L470P, L537P, L368P, L373P.
Identifiers: ClinVar variation 405531 (VCV000405531.16), dbSNP rs760272063, ClinGen allele CA037424.
Genomic context (GRCh38, chr10:43,114,735, plus strand): 5'-CCCGCCGGCCCTCGCTGGACTCCATGGAGAACCAGGTCTCCGTGGATGCCTTCAAGATCC[T>C]GGTGAGGGTCCCTGCGGGGCAGGGAAGATCCCCTGCCCTCCCCAGCTGCCTTCCAGGGAG-3'
Protein context (NP_066124.1, residues 702-722): NQVSVDAFKI[Leu712Pro]EDPKWEFPRK